The following is an entry in ClinVar:

NM_001271.4(CHD2):c.4319G>A (p.Arg1440Gln)

Gene: CHD2 (chromodomain helicase DNA binding protein 2; plus strand). Cytogenetic location: 15q26.1.
Variant type: single nucleotide variant.
Coding change: c.4319G>A on transcript NM_001271.4 (MANE Select); coding-DNA position 4319, G replaced by A.
Protein change: p.Arg1440Gln; replaces arginine 1440 with glutamine.
Molecular consequence: missense variant.
Genome position (GRCh38, 1-based): chr15:93,004,657, G>A. VCF-style: chr15-93004657-G-A. GRCh37 (hg19) VCF-style: chr15-93547887-G-A.
Other names: short protein forms R1440Q.
Identifiers: ClinVar variation 2913517 (VCV002913517.3), dbSNP rs374157769, ClinGen allele CA7748449.

ClinVar aggregate classification (germline): Uncertain significance (1 of 4 stars; one submission).

Conditions:
Developmental and epileptic encephalopathy 94 (DEE94). Also called: Epileptic encephalopathy, childhood-onset; CHD2-Related Neurodevelopmental Disorders. Identifiers: Orphanet 1942, Orphanet 2382, MedGen C3809278, MONDO:0014150, OMIM 615369.

gnomAD v4.1: 4 of 1,612,952 alleles (0.00025%); highest among the groups gnomAD compares: Non-Finnish European, 0.00017%; no homozygotes.

Submission:

Labcorp Genetics (formerly Invitae), Labcorp
Classification: Uncertain significance for Developmental and epileptic encephalopathy 94. Last evaluated: 2024-04-08. Review status: criteria provided, single submitter. Criteria: Invitae Variant Classification Sherloc (09022015). Collection method: clinical testing. Allele origin: germline.
Comment: This sequence change replaces arginine, which is basic and polar, with glutamine, which is neutral and polar, at codon 1440 of the CHD2 protein (p.Arg1440Gln). This variant is present in population databases (rs374157769, gnomAD 0.002%). This variant has not been reported in the literature in individuals affected with CHD2-related conditions. Advanced modeling of protein sequence and biophysical properties (such as structural, functional, and spatial information, amino acid conservation, physicochemical variation, residue mobility, and thermodynamic stability) performed at Invitae indicates that this missense variant is not expected to disrupt CHD2 protein function with a negative predictive value of 95%. In summary, the available evidence is currently insufficient to determine the role of this variant in disease. Therefore, it has been classified as a Variant of Uncertain Significance.